The following is an entry in ClinVar:

ClinVar aggregate classification (germline): Uncertain significance (1 of 4 stars; one submission).

gnomAD v4.1: 6 of 1,614,132 alleles (0.00037%); highest among the groups gnomAD compares: Admixed American, 0.0033%; no homozygotes.

Submission:

Labcorp Genetics (formerly Invitae), Labcorp
Classification: Uncertain significance. Last evaluated: 2025-01-27. Review status: criteria provided, single submitter. Criteria: Invitae Variant Classification Sherloc (09022015). Collection method: clinical testing. Allele origin: germline.
Comment: This sequence change replaces glutamic acid, which is acidic and polar, with lysine, which is basic and polar, at codon 1066 of the ATP2B2 protein (p.Glu1066Lys). The frequency data for this variant in the population databases is considered unreliable, as metrics indicate poor data quality at this position in the gnomAD database. This variant has not been reported in the literature in individuals affected with ATP2B2-related conditions. ClinVar contains an entry for this variant (Variation ID: 1975944). Invitae Evidence Modeling of protein sequence and biophysical properties (such as structural, functional, and spatial information, amino acid conservation, physicochemical variation, residue mobility, and thermodynamic stability) indicates that this missense variant is not expected to disrupt ATP2B2 protein function with a negative predictive value of 80%. In summary, the available evidence is currently insufficient to determine the role of this variant in disease. Therefore, it has been classified as a Variant of Uncertain Significance.

NM_001001331.4(ATP2B2):c.3331G>A (p.Glu1111Lys)

Gene: ATP2B2 (ATPase plasma membrane Ca2+ transporting 2; minus strand). Cytogenetic location: 3p25.3.
Variant type: single nucleotide variant.
Coding change: c.3331G>A on transcript NM_001001331.4 (MANE Select); coding-DNA position 3331, G replaced by A.
Protein change: p.Glu1111Lys; replaces glutamic acid 1111 with lysine.
Molecular consequence: missense variant.
Genome position (GRCh38, 1-based): chr3:10,338,265, C>T on the plus strand (G>A on the coding strand, the complement: ATP2B2 is on the minus strand). VCF-style: chr3-10338265-C-T. GRCh37 (hg19) VCF-style: chr3-10379949-C-T.
Other names: c.3196G>A, p.Glu1066Lys (NM_001330611.3, NM_001353564.1, NM_001363862.1 and 1 more transcripts); short protein forms E1066K, E1111K.
Identifiers: ClinVar variation 1975944 (VCV001975944.5), dbSNP rs772535893, ClinGen allele CA70073908.